The following is an entry in ClinVar:

ClinVar aggregate classification (germline): Uncertain significance (1 of 4 stars; one submission).

Conditions:
Kabuki syndrome 2 (KABUK2). Also called: KDM6A-Related Kabuki Syndrome. Identifiers: Orphanet 2322, MedGen C3275495, MONDO:0010465, OMIM 300867.

Allele frequency attached by ClinVar (database versions not stated): TOPMed 0.00002.

Submission:

Labcorp Genetics (formerly Invitae), Labcorp
Classification: Uncertain significance for Kabuki syndrome 2. Last evaluated: 2023-07-17. Review status: criteria provided, single submitter. Criteria: Invitae Variant Classification Sherloc (09022015). Collection method: clinical testing. Allele origin: germline.
Comment: ClinVar contains an entry for this variant (Variation ID: 1024586). In summary, the available evidence is currently insufficient to determine the role of this variant in disease. Therefore, it has been classified as a Variant of Uncertain Significance. Variants that disrupt the consensus splice site are a relatively common cause of aberrant splicing (PMID: 17576681, 9536098). Algorithms developed to predict the effect of sequence changes on RNA splicing suggest that this variant is not likely to affect RNA splicing. This variant has not been reported in the literature in individuals affected with KDM6A-related conditions. This variant is present in population databases (no rsID available, gnomAD 0.02%). This sequence change falls in intron 9 of the KDM6A gene. It does not directly change the encoded amino acid sequence of the KDM6A protein. It affects a nucleotide within the consensus splice site.

Literature cited by the submitters: PubMed 17576681; PubMed 9536098.

NM_001291415.2(KDM6A):c.748+4T>C

Gene: KDM6A (lysine demethylase 6A; plus strand). Cytogenetic location: Xp11.3.
Variant type: single nucleotide variant.
Coding change: c.748+4T>C on transcript NM_001291415.2 (MANE Select); 4 bases into the intron after coding-DNA position 748, T replaced by C.
Molecular consequence: intron variant.
Genome position (GRCh38, 1-based): chrX:45,051,806, T>C. VCF-style: chrX-45051806-T-C. GRCh37 (hg19) VCF-style: chrX-44911051-T-C.
Other names: c.748+4T>C (NM_021140.4, NM_001291416.2, NM_001291417.2 and 1 more transcripts); c.-6+4T>C (NM_001291421.2).
Identifiers: ClinVar variation 1024586 (VCV001024586.6), dbSNP rs776667031, ClinGen allele CA641473507.